The following is an entry in ClinVar:

ClinVar aggregate classification (germline): Uncertain significance. Review status: criteria provided, multiple submitters, no conflicts (2 of 4 stars). 2 submissions from 2 submitters: Uncertain significance (2). Last evaluated 2023-11-04.

Conditions:
Ataxia-telangiectasia-like disorder (ATLD). Identifiers: MedGen C1858391, MONDO:0011457.
Hereditary cancer-predisposing syndrome. Also called: Hereditary neoplastic syndrome; Tumor predisposition; Hereditary Cancer Syndrome; Neoplastic Syndromes, Hereditary. Identifiers: Orphanet 140162, MedGen C0027672, MeSH D009386, MONDO:0015356.

Allele frequency attached by ClinVar (database versions not stated): gnomAD exomes below 0.00001.
gnomAD v4.1: 1 of 1,613,514 alleles (0.000062%); highest among the groups gnomAD compares: South Asian, 0.0011%; no homozygotes.

Submissions (2):

Ambry Genetics
Classification: Uncertain significance for Hereditary cancer-predisposing syndrome. Last evaluated: 2023-11-04. Review status: criteria provided, single submitter. Criteria: Ambry Variant Classification Scheme 2023. Collection method: clinical testing. Allele origin: germline.
Comment: The p.D685Y variant (also known as c.2053G>T), located in coding exon 18 of the MRE11A gene, results from a G to T substitution at nucleotide position 2053. The aspartic acid at codon 685 is replaced by tyrosine, an amino acid with highly dissimilar properties. This amino acid position is conserved. In addition, this alteration is predicted to be tolerated by in silico analysis. Since supporting evidence is limited at this time, the clinical significance of this alteration remains unclear.

Labcorp Genetics (formerly Invitae), Labcorp
Classification: Uncertain significance for Ataxia-telangiectasia-like disorder. Last evaluated: 2015-07-27. Review status: criteria provided, single submitter. Criteria: Invitae Variant Classification Sherloc (09022015). Collection method: clinical testing. Allele origin: germline.
Comment: This variant is not present in population databases and has not been published in the literature. In summary, this is a novel missense change with uncertain impact on protein function. It has been classified as a Variant of Uncertain Significance. Algorithms developed to predict the effect of missense changes on protein structure and function do not agree on the potential impact of this missense change (SIFT: "tolerated"; PolyPhen-2: "Possibly Damaging"; Align-GVGD: "Class C0"). This sequence change replaces aspartic acid with tyrosine at codon 685 of the MRE11A protein (p.Asp685Tyr). The aspartic acid residue is moderately conserved and there is a large physicochemical difference between aspartic acid and tyrosine.

NM_005591.4(MRE11):c.2053G>T (p.Asp685Tyr)

Gene: MRE11 (MRE11 double strand break repair nuclease; minus strand). Cytogenetic location: 11q21.
Variant type: single nucleotide variant.
Coding change: c.2053G>T on transcript NM_005591.4 (MANE Select); coding-DNA position 2053, G replaced by T.
Protein change: p.Asp685Tyr; replaces aspartic acid 685 with tyrosine.
Molecular consequence: missense variant.
Genome position (GRCh38, 1-based): chr11:94,429,928, C>A on the plus strand (G>T on the coding strand, the complement: MRE11 is on the minus strand). VCF-style: chr11-94429928-C-A. GRCh37 (hg19) VCF-style: chr11-94163094-C-A.
Other names: c.2050G>T, p.Asp684Tyr (NM_001330347.2); c.1969G>T, p.Asp657Tyr (NM_005590.4); short protein forms D685Y, D657Y, D684Y.
Identifiers: ClinVar variation 219630 (VCV000219630.10), dbSNP rs864622186, ClinGen allele CA349587.